The following is an entry in ClinVar:

ClinVar aggregate classification (germline): Benign. Review status: criteria provided, multiple submitters, no conflicts (2 of 4 stars). 9 submissions from 8 submitters: Benign (9). Last evaluated 2026-02-04.

Conditions:
Epilepsy, familial focal, with variable foci 4 (FFEVF4). Identifiers: MedGen C4693694, MONDO:0054776, OMIM 617935.
Developmental and epileptic encephalopathy, 62. Also called: Early infantile epileptic encephalopathy 62. Identifiers: MedGen C4693699, MONDO:0033371, OMIM 617938.

Allele frequency attached by ClinVar (database versions not stated): gnomAD exomes 0.14454 and 0.21880; ESP Exome Variant Server 0.19299; ExAC 0.21077; gnomAD 0.22520 and 0.22633; TOPMed 0.24185; 1000 Genomes Project 30x 0.31246; 1000 Genomes Project 0.31809.
gnomAD v4.1: 247,441 of 1,613,110 alleles (15%); highest among the groups gnomAD compares: East Asian, 49%; 26,558 homozygotes.

Submissions (9):

Labcorp Genetics (formerly Invitae), Labcorp
Classification: Benign. Last evaluated: 2026-02-04. Review status: criteria provided, single submitter. Criteria: Invitae Variant Classification Sherloc (09022015). Collection method: clinical testing. Allele origin: germline.

Blueprint Genetics
Classification: Benign. Last evaluated: 2024-11-26. Review status: criteria provided, single submitter. Criteria: ACMG Guidelines, 2015. Collection method: clinical testing. Allele origin: germline.

Unidad de Genómica Garrahan, Hospital de Pediatría Garrahan
Classification: Benign. Last evaluated: 2024-07-15. Review status: criteria provided, single submitter. Criteria: ACMG Guidelines, 2015. Collection method: clinical testing. Allele origin: germline. Affected: no. Observed: 33 variant alleles.
Comment: This variant is classified as Benign based on local population frequency. This variant was detected in 35% of patients studied in a panel designed for Epileptic and Developmental Encephalopathy and Progressive Myoclonus Epilepsy. Number of patients: 33. Only high quality variants are reported.

Mayo Clinic Laboratories, Mayo Clinic
Classification: Benign. Last evaluated: 2021-11-29. Review status: criteria provided, single submitter. Criteria: ACMG Guidelines, 2015. Collection method: clinical testing. Allele origin: germline. Observed: 90 variant alleles.

Genome-Nilou Lab
Classification: Benign for Developmental and epileptic encephalopathy, 62. Last evaluated: 2021-07-15. Review status: criteria provided, single submitter. Criteria: ACMG Guidelines, 2015. Collection method: clinical testing. Allele origin: germline. Affected: no.

Genome-Nilou Lab
Classification: Benign for Epilepsy, familial focal, with variable foci 4. Last evaluated: 2021-07-15. Review status: criteria provided, single submitter. Criteria: ACMG Guidelines, 2015. Collection method: clinical testing. Allele origin: germline. Affected: no.

GeneDx
Classification: Benign. Last evaluated: 2021-05-15. Review status: criteria provided, single submitter. Criteria: GeneDx Variant Classification Process June 2021. Collection method: clinical testing. Allele origin: germline. Affected: yes.

Athena Diagnostics
Classification: Benign. Last evaluated: 2017-04-20. Review status: criteria provided, single submitter. Criteria: Athena Diagnostics Criteria. Collection method: clinical testing. Allele origin: germline.

Breakthrough Genomics
Classification: Benign. Review status: criteria provided, single submitter. Criteria: ACMG Guidelines, 2015. Collection method: not provided. Allele origin: germline. Inheritance: Autosomal dominant inheritance. Affected: yes.

NM_006922.4(SCN3A):c.602+9C>T

Gene: SCN3A (sodium voltage-gated channel alpha subunit 3; minus strand). Cytogenetic location: 2q24.3.
Variant type: single nucleotide variant.
Coding change: c.602+9C>T on transcript NM_006922.4 (MANE Select); 9 bases into the intron after coding-DNA position 602, C replaced by T.
Molecular consequence: intron variant.
Genome position (GRCh38, 1-based): chr2:165,164,383, G>A on the plus strand (C>T on the coding strand, the complement: SCN3A is on the minus strand). VCF-style: chr2-165164383-G-A. GRCh37 (hg19) VCF-style: chr2-166020893-G-A.
Other names: p.?; c.602+9C>T (NM_001081676.2, NM_001081677.2).
Identifiers: ClinVar variation 586504 (VCV000586504.19), dbSNP rs7579000, ClinGen allele CA1939410.
Genomic context (GRCh38, chr2:165,164,383, plus strand): 5'-ACAAAGACCTTGTTTGTACTATGACTATTTTCACTCCTTTGCGCTTATCAAATTTTCAAA[G>A]TTACTCACGCCATCACAATGACACTGAAATCCAGCCAGTTCCATGGATCACGAAGAAACG-3'